The following is an entry in ClinVar:

ClinVar aggregate classification (germline): Pathogenic (1 of 4 stars; one submission).

Conditions:
Distal myopathy with posterior leg and anterior hand involvement. Also called: WILLIAMS DISTAL MYOPATHY. Identifiers: Orphanet 63273, MedGen C3279722, MONDO:0013550, OMIM 614065.
Hypertrophic cardiomyopathy 26. Also called: Cardiomyopathy, familial hypertrophic, 26. Identifiers: Orphanet 75249, MedGen C4310749, MONDO:0014883, OMIM 617047.
Myofibrillar myopathy 5. Also called: Filaminopathy (type); FILAMINOPATHY, AUTOSOMAL DOMINANT. Identifiers: Orphanet 171445, MedGen C1836050, MONDO:0012289, OMIM 609524.

Submission:

Labcorp Genetics (formerly Invitae), Labcorp
Classification: Pathogenic for Distal myopathy with posterior leg and anterior hand involvement; Myofibrillar myopathy 5; Hypertrophic cardiomyopathy 26. Last evaluated: 2022-12-14. Review status: criteria provided, single submitter. Criteria: Invitae Variant Classification Sherloc (09022015). Collection method: clinical testing. Allele origin: germline.
Comment: For these reasons, this variant has been classified as Pathogenic. This variant has not been reported in the literature in individuals affected with FLNC-related conditions. This variant is not present in population databases (gnomAD no frequency). This sequence change creates a premature translational stop signal (p.Asp623Trpfs*22) in the FLNC gene. It is expected to result in an absent or disrupted protein product. Loss-of-function variants in FLNC are known to be pathogenic (PMID: 27908349).

Literature cited by the submitters: PubMed 27908349.

NM_001458.5(FLNC):c.1866_1867del (p.Asp623fs)

Gene: FLNC (filamin C; plus strand). Cytogenetic location: 7q32.1.
Variant type: Deletion.
Coding change: c.1866_1867del on transcript NM_001458.5 (MANE Select); coding-DNA positions 1866 to 1867, 2 bases deleted (GG; older notation c.1866_1867delGG).
Protein change: p.Asp623fs; shifts the reading frame from aspartic acid 623.
Molecular consequence: frameshift variant.
Genome position (GRCh38, 1-based): chr7:128,841,222-128,841,223, GG deleted; deleting any 2 consecutive bases within chr7:128,841,219-128,841,223 gives the same sequence; the c. name uses the placement nearest the transcript's 3' end. VCF-style (leftmost placement, unchanged base first): chr7-128841218-AGG-A. GRCh37 (hg19) VCF-style: chr7-128481272-AGG-A.
Other names: c.1866_1867del, p.Asp623fs (NM_001127487.2); short protein forms D623fs.
Identifiers: ClinVar variation 2134738 (VCV002134738.4), dbSNP rs2536628266, ClinGen allele CA2580076641.
Genomic context (GRCh38, chr7:128,841,218, plus strand): 5'-ACCTTGCCCCAGGCTTCTCCATCGAGGGGCCCTCACAAGCCAAGATCGAATGTGACGACA[AGG>A]GGGATGGCTCCTGCGATGTGCGGTACTGGCCCACGGAGCCTGGGGAGTACGCTGTGCACG-3'